The following is an entry in ClinVar:

ClinVar aggregate classification (germline): Uncertain significance (1 of 4 stars; one submission).

gnomAD v4.1: 3 of 1,613,902 alleles (0.00019%); highest among the groups gnomAD compares: Non-Finnish European, 0.00025%; no homozygotes.

Submission:

Labcorp Genetics (formerly Invitae), Labcorp
Classification: Uncertain significance. Last evaluated: 2023-07-25. Review status: criteria provided, single submitter. Criteria: Invitae Variant Classification Sherloc (09022015). Collection method: clinical testing. Allele origin: germline.
Comment: An algorithm developed to predict the effect of missense changes on protein structure and function (PolyPhen-2) suggests that this variant is likely to be disruptive. In summary, the available evidence is currently insufficient to determine the role of this variant in disease. Therefore, it has been classified as a Variant of Uncertain Significance. This variant has not been reported in the literature in individuals affected with BPTF-related conditions. This variant is present in population databases (no rsID available, gnomAD 0.007%). This sequence change replaces threonine, which is neutral and polar, with serine, which is neutral and polar, at codon 2188 of the BPTF protein (p.Thr2188Ser).

NM_182641.4(BPTF):c.6184A>T (p.Thr2062Ser)

Gene: BPTF (bromodomain PHD finger transcription factor; plus strand). Cytogenetic location: 17q24.2.
Variant type: single nucleotide variant.
Coding change: c.6184A>T on transcript NM_182641.4 (MANE Select); coding-DNA position 6184, A replaced by T.
Protein change: p.Thr2062Ser; replaces threonine 2062 with serine.
Molecular consequence: missense variant.
Genome position (GRCh38, 1-based): chr17:67,931,944, A>T. VCF-style: chr17-67931944-A-T. GRCh37 (hg19) VCF-style: chr17-65928060-A-T.
Other names: c.6562A>T, p.Thr2188Ser (NM_004459.7); short protein forms T2062S, T2188S.
Identifiers: ClinVar variation 2777250 (VCV002777250.2), dbSNP rs766336562, ClinGen allele CA293252917.